The following is an entry in ClinVar:

NM_002739.5(PRKCG):c.1498G>A (p.Gly500Ser)

Gene: PRKCG (protein kinase C gamma; plus strand). Cytogenetic location: 19q13.42.
Variant type: single nucleotide variant.
Coding change: c.1498G>A on transcript NM_002739.5 (MANE Select); coding-DNA position 1498, G replaced by A.
Protein change: p.Gly500Ser; replaces glycine 500 with serine.
Molecular consequence: missense variant.
Genome position (GRCh38, 1-based): chr19:53,900,672, G>A. VCF-style: chr19-53900672-G-A. GRCh37 (hg19) VCF-style: chr19-54403926-G-A.
Other names: c.1498G>A, p.Gly500Ser (NM_001316329.2); short protein forms G500S.
Identifiers: ClinVar variation 3366013 (VCV003366013.1).

ClinVar aggregate classification (germline): Uncertain significance (1 of 4 stars; one submission).

Submission:

GeneDx
Classification: Uncertain significance. Last evaluated: 2023-10-12. Review status: criteria provided, single submitter. Criteria: GeneDx Variant Classification Process June 2021. Collection method: clinical testing. Allele origin: germline. Affected: yes.
Comment: Has not been previously published as pathogenic or benign to our knowledge; Not observed at significant frequency in large population cohorts (gnomAD); In silico analysis supports that this missense variant has a deleterious effect on protein structure/function